The following is an entry in ClinVar:

NM_004706.4(ARHGEF1):c.1414T>A (p.Ser472Thr)

Gene: ARHGEF1 (Rho guanine nucleotide exchange factor 1; plus strand). Cytogenetic location: 19q13.2.
Variant type: single nucleotide variant.
Coding change: c.1414T>A on transcript NM_004706.4 (MANE Select); coding-DNA position 1414, T replaced by A.
Protein change: p.Ser472Thr; replaces serine 472 with threonine.
Molecular consequence: missense variant. On other transcripts: non-coding transcript variant (1).
Genome position (GRCh38, 1-based): chr19:41,902,033, T>A. VCF-style: chr19-41902033-T-A. GRCh37 (hg19) VCF-style: chr19-42406183-T-A.
Other names: c.1582T>A, p.Ser528Thr (NM_001396000.1); c.1315T>A, p.Ser439Thr (NM_001396002.1, NM_001396004.1, NM_198977.2); c.1414T>A, p.Ser472Thr (NM_001396003.1, NM_001396006.1); c.1459T>A, p.Ser487Thr (NM_199002.2); short protein forms S487T, S439T, S472T, S528T.
Identifiers: ClinVar variation 2803197 (VCV002803197.3), dbSNP rs2513881499, ClinGen allele CA406060689.

ClinVar aggregate classification (germline): Uncertain significance (1 of 4 stars; one submission).

Allele frequency attached by ClinVar (database versions not stated): gnomAD exomes below 0.00001.
gnomAD v4.1: 2 of 1,613,838 alleles (0.00012%); highest among the groups gnomAD compares: Non-Finnish European, 0.00017%; no homozygotes.

Submission:

Labcorp Genetics (formerly Invitae), Labcorp
Classification: Uncertain significance. Last evaluated: 2023-06-25. Review status: criteria provided, single submitter. Criteria: Invitae Variant Classification Sherloc (09022015). Collection method: clinical testing. Allele origin: germline.
Comment: This variant is not present in population databases (gnomAD no frequency). This variant has not been reported in the literature in individuals affected with ARHGEF1-related conditions. An algorithm developed to predict the effect of missense changes on protein structure and function (PolyPhen-2) suggests that this variant is likely to be tolerated. In summary, the available evidence is currently insufficient to determine the role of this variant in disease. Therefore, it has been classified as a Variant of Uncertain Significance. This sequence change replaces serine, which is neutral and polar, with threonine, which is neutral and polar, at codon 487 of the ARHGEF1 protein (p.Ser487Thr).